The following is an entry in ClinVar:

ClinVar aggregate classification (germline): Uncertain significance. Review status: criteria provided, single submitter (1 of 4 stars). 3 submissions from 3 submitters: Uncertain significance (1). 2 of the submissions do not count toward it. Last evaluated 2021-09-01.

Conditions:
Wilson disease (WND). Also called: Wilson's disease. Identifiers: Orphanet 905, MedGen C0019202, MONDO:0010200, OMIM 277900. Disease mechanism: loss of function.
ATP7B-related disorder. Also called: ATP7B-related condition.

Allele frequency attached by ClinVar (database versions not stated): gnomAD exomes below 0.00001; TOPMed below 0.00001.

Submissions (3):

Labcorp Genetics (formerly Invitae), Labcorp
Classification: Uncertain significance for Wilson disease. Last evaluated: 2021-09-01. Review status: criteria provided, single submitter. Criteria: Invitae Variant Classification Sherloc (09022015). Collection method: clinical testing. Allele origin: germline.
Comment: This sequence change replaces methionine with isoleucine at codon 368 of the ATP7B protein (p.Met368Ile). The methionine residue is highly conserved and there is a small physicochemical difference between methionine and isoleucine. This variant is not present in population databases (ExAC no frequency). This variant has not been reported in the literature in individuals affected with ATP7B-related conditions. Algorithms developed to predict the effect of missense changes on protein structure and function output the following: SIFT: "Tolerated"; PolyPhen-2: "Benign"; Align-GVGD: "Class C0". The isoleucine amino acid residue is found in multiple mammalian species, which suggests that this missense change does not adversely affect protein function. In summary, the available evidence is currently insufficient to determine the role of this variant in disease. Therefore, it has been classified as a Variant of Uncertain Significance.

PreventionGenetics, part of Exact Sciences
Classification: Uncertain significance for ATP7B-related condition. Last evaluated: 2023-10-30. Review status: no assertion criteria provided. Collection method: clinical testing. Allele origin: germline. Not counted in ClinVar's aggregate classification.
Comment: The ATP7B c.1104G>A variant is predicted to result in the amino acid substitution p.Met368Ile. To our knowledge, this variant has not been reported in the literature or in a large population database, indicating this variant is rare. At this time, the clinical significance of this variant is uncertain due to the absence of conclusive functional and genetic evidence.

Natera, Inc.
Classification: Uncertain significance for Wilson disease. Last evaluated: 2021-08-16. Review status: no assertion criteria provided. Collection method: clinical testing. Allele origin: germline. Not counted in ClinVar's aggregate classification.

NM_000053.4(ATP7B):c.1104G>A (p.Met368Ile)

Gene: ATP7B (ATPase copper transporting beta; minus strand). Cytogenetic location: 13q14.3.
Variant type: single nucleotide variant.
Coding change: c.1104G>A on transcript NM_000053.4 (MANE Select); coding-DNA position 1104, G replaced by A.
Protein change: p.Met368Ile; replaces methionine 368 with isoleucine.
Molecular consequence: missense variant. On other transcripts: intron variant (1).
Genome position (GRCh38, 1-based): chr13:51,974,116, C>T on the plus strand (G>A on the coding strand, the complement: ATP7B is on the minus strand). VCF-style: chr13-51974116-C-T. GRCh37 (hg19) VCF-style: chr13-52548252-C-T.
Other names: c.1104G>A, p.Met368Ile (NM_001005918.3, NM_001330578.2, NM_001330579.2); c.803-32G>A (NM_001243182.2); short protein forms M368I.
Identifiers: ClinVar variation 861481 (VCV000861481.11), dbSNP rs1476381647, ClinGen allele CA388039010.